The following is an entry in ClinVar:

ClinVar aggregate classification (germline): Likely pathogenic (1 of 4 stars; one submission).

Conditions:
Ectrodactyly, ectodermal dysplasia, and cleft lip-palate syndrome 3. Also called: Ectrodactyly, Ectodermal Dysplasia, Clefting Syndrome Type 3 (EEC3); EEC SYNDROME 3; Ectrodactyly, Ectodermal Dysplasia, Clefting Syndrome; Ectrodactyly, Ectodermal Dysplasia, Cleft Lip/Palate Syndrome 3 (EEC3). Identifiers: Orphanet 1896, MedGen C1858562, MONDO:0011428, OMIM 604292.

Submission:

Hacettepe Pediatric Genetics Laboratory, Hacettepe University
Classification: Likely pathogenic for Ectrodactyly, ectodermal dysplasia, and cleft lip-palate syndrome 3. Last evaluated: 2023-01-24. Review status: criteria provided, single submitter. Criteria: ACMG Guidelines, 2015. Collection method: clinical testing. Allele origin: germline. Inheritance: Autosomal dominant inheritance. Affected: yes. Observed: 1 heterozygote.
Comment: This variant was neither found in ExAC nor 1000G. This change was classified as “ likely pathogenic” according to the ACMG guidelines and predicted to be deleterious by CADD score (24,6).

NM_003722.5(TP63):c.925A>G (p.Asn309Asp)

Gene: TP63 (tumor protein p63; plus strand). Cytogenetic location: 3q28.
Variant type: single nucleotide variant.
Coding change: c.925A>G on transcript NM_003722.5 (MANE Select); coding-DNA position 925, A replaced by G.
Protein change: p.Asn309Asp; replaces asparagine 309 with aspartic acid.
Molecular consequence: missense variant.
Genome position (GRCh38, 1-based): chr3:189,867,875, A>G. VCF-style: chr3-189867875-A-G. GRCh37 (hg19) VCF-style: chr3-189585664-A-G.
Other names: c.925A>G, p.Asn309Asp (NM_001114978.2, NM_001114979.2, NM_001329144.2 and 1 more transcripts); c.643A>G, p.Asn215Asp (NM_001114980.2, NM_001114981.2, NM_001114982.2 and 2 more transcripts); c.388A>G, p.Asn130Asp (NM_001329146.2, NM_001329150.2); c.919A>G, p.Asn307Asp (NM_001329964.2); short protein forms N309D, N215D, N130D, N307D.
Identifiers: ClinVar variation 2203760 (VCV002203760.2), dbSNP rs2474609100, ClinGen allele CA355754930.